The following is an entry in ClinVar:

NM_052845.4(MMAB):c.*3178C>A

Gene: MMAB (metabolism of cobalamin associated B; minus strand). Cytogenetic location: 12q24.11.
Variant type: single nucleotide variant.
Coding change: c.*3178C>A on transcript NM_052845.4 (MANE Select); 3178 bases downstream of the stop codon, C replaced by A.
Molecular consequence: 3 prime UTR variant. On other transcripts: non-coding transcript variant (1).
Genome position (GRCh38, 1-based): chr12:109,553,850, G>T on the plus strand (C>A on the coding strand, the complement: MMAB is on the minus strand). VCF-style: chr12-109553850-G-T. GRCh37 (hg19) VCF-style: chr12-109991655-G-T.
Identifiers: ClinVar variation 307001 (VCV000307001.6), dbSNP rs73414071, ClinGen allele CA6778508.

ClinVar aggregate classification (germline): Benign. Review status: criteria provided, multiple submitters, no conflicts (2 of 4 stars). 2 submissions from 2 submitters: Benign (2). Last evaluated 2018-01-12.

Conditions:
Methylmalonic aciduria, cblB type (MACB). Also called: Vitamin B12-responsive methylmalonic acidemia type cblB; METHYLMALONIC ACIDURIA, VITAMIN B12-RESPONSIVE, DUE TO DEFECT IN SYNTHESIS OF ADENOSYLCOBALAMIN, cblB TYPE; Methylmalonic acidemia cblB type. Identifiers: Orphanet 28, Orphanet 79311, MedGen C1855102, MONDO:0009614, OMIM 251110.

Allele frequency attached by ClinVar (database versions not stated): gnomAD 0.02490 and 0.02319; 1000 Genomes Project 0.02496; gnomAD exomes 0.00471 and 0.00288; ExAC 0.00177; TOPMed 0.02644; 1000 Genomes Project 30x 0.02686.
gnomAD v4.1: 4,402 of 454,080 alleles (0.97%); highest among the groups gnomAD compares: African/African-American, 7.9%; 146 homozygotes.

Submissions (2):

Illumina Laboratory Services, Illumina
Classification: Benign for Methylmalonic aciduria, cblB type. Last evaluated: 2018-01-12. Review status: criteria provided, single submitter. Criteria: ICSL Variant Classification Criteria 13 December 2019. Collection method: clinical testing. Allele origin: germline.
Comment: This variant was observed in the ICSL laboratory as part of a predisposition screen in an ostensibly healthy population. It had not been previously curated by ICSL or reported in the Human Gene Mutation Database (HGMD: prior to June 1st, 2018), and was therefore a candidate for classification through an automated scoring system. Utilizing variant allele frequency, disease prevalence and penetrance estimates, and inheritance mode, an automated score was calculated to assess if this variant is too frequent to cause the disease. Based on the score and internal cut-off values, a variant classified as benign is not then subjected to further curation. The score for this variant resulted in a classification of benign for this disease.

Breakthrough Genomics
Classification: Benign. Review status: criteria provided, single submitter. Criteria: ACMG Guidelines, 2015. Collection method: not provided. Allele origin: germline. Inheritance: Autosomal recessive inheritance. Affected: yes.